The following is an entry in ClinVar:

ClinVar aggregate classification (germline): Conflicting classifications of pathogenicity. Review status: criteria provided, conflicting classifications (1 of 4 stars). 5 submissions from 5 submitters: Uncertain significance (4); Likely benign (1). Last evaluated 2025-12-22.

Conditions:
Dilated cardiomyopathy 1JJ (CMD1JJ). Identifiers: Orphanet 154, MedGen C3808935, MONDO:0014095, OMIM 615235.
Cardiovascular phenotype. Identifiers: MedGen CN230736.

Allele frequency attached by ClinVar (database versions not stated): ESP Exome Variant Server 0.00008; TOPMed 0.00014; 1000 Genomes Project 30x 0.00016.
gnomAD v4.1: 278 of 1,613,836 alleles (0.017%); highest among the groups gnomAD compares: Admixed American, 0.023%; no homozygotes.

Submissions (5):

Labcorp Genetics (formerly Invitae), Labcorp
Classification: Uncertain significance for Dilated cardiomyopathy 1JJ. Last evaluated: 2025-12-22. Review status: criteria provided, single submitter. Criteria: Invitae Variant Classification Sherloc (09022015). Collection method: clinical testing. Allele origin: germline.
Comment: This sequence change replaces arginine, which is basic and polar, with tryptophan, which is neutral and slightly polar, at codon 103 of the LAMA4 protein (p.Arg103Trp). This variant is present in population databases (rs138176093, gnomAD 0.03%), and has an allele count higher than expected for a pathogenic variant. This variant has not been reported in the literature in individuals affected with LAMA4-related conditions. ClinVar contains an entry for this variant (Variation ID: 421269). Invitae Evidence Modeling of protein sequence and biophysical properties (such as structural, functional, and spatial information, amino acid conservation, physicochemical variation, residue mobility, and thermodynamic stability) indicates that this missense variant is expected to disrupt LAMA4 protein function with a positive predictive value of 80%. In summary, the available evidence is currently insufficient to determine the role of this variant in disease. Therefore, it has been classified as a Variant of Uncertain Significance.

Women's Health and Genetics/Laboratory Corporation of America, LabCorp
Classification: Likely benign. Last evaluated: 2025-04-29. Review status: criteria provided, single submitter. Criteria: LabCorp Variant Classification Summary - May 2015. Collection method: clinical testing. Allele origin: germline.
Comment: Variant summary: LAMA4 c.307C>T (p.Arg103Trp) results in a non-conservative amino acid change in the encoded protein sequence. Four of five in-silico tools predict a damaging effect of the variant on protein function. The variant allele was found at a frequency of 0.00019 in 251106 control chromosomes. The observed variant frequency is approximately 6.8 fold of the estimated maximal expected allele frequency for a pathogenic variant in LAMA4 causing Dilated Cardiomyopathy phenotype (2.8e-05). To our knowledge, no occurrence of c.307C>T in individuals affected with LAMA4-related conditions and no experimental evidence demonstrating its impact on protein function have been reported. ClinVar contains an entry for this variant (Variation ID: 421269). Based on the evidence outlined above, the variant was classified as likely benign.

Ambry Genetics
Classification: Uncertain significance for Cardiovascular phenotype. Last evaluated: 2024-05-06. Review status: criteria provided, single submitter. Criteria: Ambry Variant Classification Scheme 2023. Collection method: clinical testing. Allele origin: germline.
Comment: The p.R103W variant (also known as c.307C>T), located in coding exon 3 of the LAMA4 gene, results from a C to T substitution at nucleotide position 307. The arginine at codon 103 is replaced by tryptophan, an amino acid with dissimilar properties. This amino acid position is well conserved in available vertebrate species. In addition, the in silico prediction for this alteration is inconclusive. The evidence for this gene-disease relationship is limited; therefore, the clinical significance of this alteration is unclear.

GeneDx
Classification: Uncertain significance. Last evaluated: 2023-12-06. Review status: criteria provided, single submitter. Criteria: GeneDx Variant Classification Process June 2021. Collection method: clinical testing. Allele origin: germline. Affected: yes.
Comment: Has not been previously published as pathogenic or benign to our knowledge; In silico analysis supports that this missense variant has a deleterious effect on protein structure/function; This variant is associated with the following publications: (PMID: 26582918)

Fulgent Genetics
Classification: Uncertain significance for Dilated cardiomyopathy 1JJ. Last evaluated: 2021-08-23. Review status: criteria provided, single submitter. Criteria: ACMG Guidelines, 2015. Collection method: clinical testing. Allele origin: unknown.

NM_001105206.3(LAMA4):c.307C>T (p.Arg103Trp)

Gene: LAMA4 (laminin subunit alpha 4; minus strand). Cytogenetic location: 6q21.
Variant type: single nucleotide variant.
Coding change: c.307C>T on transcript NM_001105206.3 (MANE Select); coding-DNA position 307, C replaced by T.
Protein change: p.Arg103Trp; replaces arginine 103 with tryptophan.
Molecular consequence: missense variant.
Genome position (GRCh38, 1-based): chr6:112,207,136, G>A on the plus strand (C>T on the coding strand, the complement: LAMA4 is on the minus strand). VCF-style: chr6-112207136-G-A. GRCh37 (hg19) VCF-style: chr6-112528337-G-A.
Other names: c.307C>T (LRG_433t2); c.307C>T, p.Arg103Trp (NM_001105207.3, NM_002290.5); short protein forms R103W.
Identifiers: ClinVar variation 421269 (VCV000421269.33), dbSNP rs138176093, ClinGen allele CA3966200.
Genomic context (GRCh38, chr6:112,207,136, plus strand): 5'-TGATGGAATCTCCGATATAACCATCCAGACACTTTTCACAGTGCTCTCCTGTTGTGTTCC[G>A]CTGGCAGTGCTATGAGACAAAAGACAAGAAGATTGACAAGGATGCGAAAGAAATTTTAGA-3'
Protein context (NP_001098676.2, residues 93-113): DGSGYCVHCQ[Arg103Trp]NTTGEHCEKC